The following is an entry in ClinVar:

NM_007194.4(CHEK2):c.1201_1205del (p.Thr401fs)

Gene: CHEK2 (checkpoint kinase 2; minus strand). Cytogenetic location: 22q12.1.
Variant type: Deletion.
Coding change: c.1201_1205del on transcript NM_007194.4 (MANE Select); coding-DNA positions 1201 to 1205, 5 bases deleted (ACTGC; older notation c.1201_1205delACTGC).
Protein change: p.Thr401fs; shifts the reading frame from threonine 401.
Molecular consequence: frameshift variant.
Genome position (GRCh38, 1-based): chr22:28,695,764-28,695,768, GCAGT deleted on the plus strand (ACTGC on the coding strand, the reverse complement: CHEK2 is on the minus strand). VCF-style (leftmost placement, unchanged base first): chr22-28695763-AGCAGT-A. GRCh37 (hg19) VCF-style: chr22-29091751-AGCAGT-A.
Other names: c.1330_1334delACTGC, p.Thr444Trpfs (NM_001005735.3); c.538_542delACTGC, p.Thr180Trpfs (NM_001257387.3); c.1000_1004delACTGC, p.Thr334Trpfs (NM_001349956.3); c.1114_1118delACTGC, p.Thr372Trpfs (NM_145862.3); short protein forms T180fs, T334fs, T372fs, T401fs, T444fs.
Identifiers: ClinVar variation 1338649 (VCV001338649.9), dbSNP rs2145803112, ClinGen allele CA2573054990.
Genomic context (GRCh38, chr22:28,695,763, plus strand): 5'-TTCTTACCAGATAAAAAGAATAACTCCTAAACTCCAGCAGTCCACAGCACGGTTATACCC[AGCAGT>A]CCCAACAGAAACAAGAACTTCAGGCGCCAAGTAGGTGGGGGTTCCACATAAGGTTCTCAT-3'

ClinVar aggregate classification (germline): Pathogenic/Likely pathogenic. Review status: criteria provided, multiple submitters, no conflicts (2 of 4 stars). 2 submissions from 2 submitters: Pathogenic (1); Likely pathogenic (1). Last evaluated 2021-09-16.

Conditions:
Familial cancer of breast. Also called: Hereditary breast cancer; hereditary breast carcinoma; BREAST CANCER, FAMILIAL. Identifiers: Orphanet 227535, MedGen C0346153, MONDO:0016419, OMIM 114480. Disease mechanism: loss of function.

Submissions (2):

Labcorp Genetics (formerly Invitae), Labcorp
Classification: Pathogenic for Familial cancer of breast. Last evaluated: 2021-09-16. Review status: criteria provided, single submitter. Criteria: Invitae Variant Classification Sherloc (09022015). Collection method: clinical testing. Allele origin: germline.
Comment: For these reasons, this variant has been classified as Pathogenic. This sequence change creates a premature translational stop signal (p.Thr401Trpfs*3) in the CHEK2 gene. It is expected to result in an absent or disrupted protein product. Loss-of-function variants in CHEK2 are known to be pathogenic (PMID: 21876083, 24713400). This variant is not present in population databases (ExAC no frequency). This variant has not been reported in the literature in individuals affected with CHEK2-related conditions. Algorithms developed to predict the effect of sequence changes on RNA splicing suggest that this variant may create or strengthen a splice site.

Genetic Services Laboratory, University of Chicago
Classification: Likely pathogenic. Last evaluated: 2021-07-22. Review status: criteria provided, single submitter. Criteria: ACMG Guidelines, 2015. Collection method: clinical testing. Allele origin: germline. Affected: yes.

Literature cited by the submitters: PubMed 21876083 (cited by Labcorp Genetics (formerly Invitae), Labcorp); PubMed 24713400 (cited by Labcorp Genetics (formerly Invitae), Labcorp).